The following is an entry in ClinVar:

NM_024312.5(GNPTAB):c.396C>G (p.His132Gln)

Gene: GNPTAB (N-acetylglucosamine-1-phosphate transferase subunits alpha and beta; minus strand). Cytogenetic location: 12q23.2.
Variant type: single nucleotide variant.
Coding change: c.396C>G on transcript NM_024312.5 (MANE Select); coding-DNA position 396, C replaced by G.
Protein change: p.His132Gln; replaces histidine 132 with glutamine.
Molecular consequence: missense variant.
Genome position (GRCh38, 1-based): chr12:101,786,187, G>C on the plus strand (C>G on the coding strand, the complement: GNPTAB is on the minus strand). VCF-style: chr12-101786187-G-C. GRCh37 (hg19) VCF-style: chr12-102179965-G-C.
Other names: short protein forms H132Q.
Identifiers: ClinVar variation 1464806 (VCV001464806.5), dbSNP rs781230173, ClinGen allele CA6746889.

ClinVar aggregate classification (germline): Uncertain significance (1 of 4 stars; one submission).

Conditions:
Pseudo-Hurler polydystrophy. Also called: ML III; ML III ALPHA/BETA; Type III Mucolipidosis; ML IIIA; Mucolipidosis III Alpha/Beta; MUCOLIPIDOSIS IIIA. Identifiers: Orphanet 423461, Orphanet 577, MedGen C0033788, MONDO:0018931, OMIM 252600.
Mucolipidosis type II. Also called: ML II ALPHA/BETA; Mucolipidosis 2; ML 2; Inclusion cell disease; Leroy Disease; N-acetylglucosamine 1phosphotransferase deficiency. Identifiers: Orphanet 576, MedGen C2673377, MONDO:0009650, OMIM 252500.

Allele frequency attached by ClinVar (database versions not stated): gnomAD exomes 0.00001; ExAC 0.00002.

Submission:

Labcorp Genetics (formerly Invitae), Labcorp
Classification: Uncertain significance for Pseudo-Hurler polydystrophy; Mucolipidosis type II. Last evaluated: 2021-12-24. Review status: criteria provided, single submitter. Criteria: Invitae Variant Classification Sherloc (09022015). Collection method: clinical testing. Allele origin: germline.
Comment: This sequence change replaces histidine, which is basic and polar, with glutamine, which is neutral and polar, at codon 132 of the GNPTAB protein (p.His132Gln). This variant is present in population databases (rs781230173, gnomAD 0.009%). This variant has not been reported in the literature in individuals affected with GNPTAB-related conditions. Advanced modeling of protein sequence and biophysical properties (such as structural, functional, and spatial information, amino acid conservation, physicochemical variation, residue mobility, and thermodynamic stability) performed at Invitae indicates that this missense variant is not expected to disrupt GNPTAB protein function. Algorithms developed to predict the effect of sequence changes on RNA splicing suggest that this variant may create or strengthen a splice site. In summary, the available evidence is currently insufficient to determine the role of this variant in disease. Therefore, it has been classified as a Variant of Uncertain Significance.